The following is an entry in ClinVar:

NM_001004334.4(GPR179):c.2150G>A (p.Arg717His)

Gene: GPR179 (G protein-coupled receptor 179; minus strand). Cytogenetic location: 17q12.
Variant type: single nucleotide variant.
Coding change: c.2150G>A on transcript NM_001004334.4 (MANE Select); coding-DNA position 2150, G replaced by A.
Protein change: p.Arg717His; replaces arginine 717 with histidine.
Molecular consequence: missense variant.
Genome position (GRCh38, 1-based): chr17:38,331,419, C>T on the plus strand (G>A on the coding strand, the complement: GPR179 is on the minus strand). VCF-style: chr17-38331419-C-T. GRCh37 (hg19) VCF-style: chr17-36487302-C-T.
Other names: short protein forms R717H.
Identifiers: ClinVar variation 892291 (VCV000892291.10), dbSNP rs757722345, ClinGen allele CA290106119.

ClinVar aggregate classification (germline): Uncertain significance. Review status: criteria provided, multiple submitters, no conflicts (2 of 4 stars). 4 submissions from 4 submitters: Uncertain significance (4). Last evaluated 2025-10-20.

Conditions:
Inborn genetic diseases. Identifiers: MedGen C0950123, MeSH D030342.
Congenital stationary night blindness 1E. Also called: Night blindness, congenital stationary (complete), 1E, autosomal recessive. Identifiers: Orphanet 215, MedGen C3281215, MONDO:0013807, OMIM 614565.

Allele frequency attached by ClinVar (database versions not stated): gnomAD 0.00002; ExAC 0.00004; gnomAD exomes 0.00004; TOPMed 0.00004.
gnomAD v4.1: 61 of 1,613,998 alleles (0.0038%); highest among the groups gnomAD compares: Admixed American, 0.005%; no homozygotes.

Submissions (4):

Labcorp Genetics (formerly Invitae), Labcorp
Classification: Uncertain significance. Last evaluated: 2025-10-20. Review status: criteria provided, single submitter. Criteria: Invitae Variant Classification Sherloc (09022015). Collection method: clinical testing. Allele origin: germline.
Comment: This sequence change replaces arginine, which is basic and polar, with histidine, which is basic and polar, at codon 717 of the GPR179 protein (p.Arg717His). This variant is present in population databases (rs757722345, gnomAD 0.009%). This variant has not been reported in the literature in individuals affected with GPR179-related conditions. ClinVar contains an entry for this variant (Variation ID: 892291). An algorithm developed to predict the effect of missense changes on protein structure and function outputs the following: PolyPhen-2: "Benign". The histidine amino acid residue is found in multiple mammalian species, which suggests that this missense change does not adversely affect protein function. In summary, the available evidence is currently insufficient to determine the role of this variant in disease. Therefore, it has been classified as a Variant of Uncertain Significance.

Ambry Genetics
Classification: Uncertain significance for Inborn genetic diseases. Last evaluated: 2024-10-08. Review status: criteria provided, single submitter. Criteria: Ambry Variant Classification Scheme 2023. Collection method: clinical testing. Allele origin: germline.

Blueprint Genetics
Classification: Uncertain significance. Last evaluated: 2024-07-11. Review status: criteria provided, single submitter. Criteria: ACMG Guidelines, 2015. Collection method: clinical testing. Allele origin: germline.

Illumina Laboratory Services, Illumina
Classification: Uncertain significance for Congenital stationary night blindness 1E. Last evaluated: 2018-01-13. Review status: criteria provided, single submitter. Criteria: ICSL Variant Classification Criteria 13 December 2019. Collection method: clinical testing. Allele origin: germline.